The following is an entry in ClinVar:

ClinVar aggregate classification (germline): Benign/Likely benign. Review status: criteria provided, multiple submitters, no conflicts (2 of 4 stars). 14 submissions from 14 submitters: Benign (8); Likely benign (2). 4 of the submissions do not count toward it. Last evaluated 2026-02-04.

Conditions:
Inborn genetic diseases. Identifiers: MedGen C0950123, MeSH D030342.
Alpha-1-antitrypsin deficiency (A1ATD). Also called: AAT deficiency; A1AT deficiency; Alpha1-Antitrypsin Deficiency. Identifiers: Orphanet 60, MedGen C0221757, MONDO:0013282, OMIM 613490.
PI M3.

Allele frequency attached by ClinVar (database versions not stated): gnomAD 0.21786 and 0.22872; TOPMed 0.22259; gnomAD exomes 0.26476 and 0.27738; 1000 Genomes Project 30x 0.27280; ExAC 0.27473; 1000 Genomes Project 0.28035.
gnomAD v4.1: 421,910 of 1,613,760 alleles (26%); highest among the groups gnomAD compares: South Asian, 42%; 57,937 homozygotes.

Submissions (14):

Labcorp Genetics (formerly Invitae), Labcorp
Classification: Benign for Alpha-1-antitrypsin deficiency. Last evaluated: 2026-02-04. Review status: criteria provided, single submitter. Criteria: Invitae Variant Classification Sherloc (09022015). Collection method: clinical testing. Allele origin: germline.

Blueprint Genetics
Classification: Likely benign. Last evaluated: 2024-11-27. Review status: criteria provided, single submitter. Criteria: ACMG Guidelines, 2015. Collection method: clinical testing. Allele origin: germline.

Mayo Clinic Laboratories, Mayo Clinic
Classification: Benign. Last evaluated: 2024-10-23. Review status: criteria provided, single submitter. Criteria: ACMG Guidelines, 2015. Collection method: clinical testing. Allele origin: germline. Observed: 216 variant alleles.
Comment: BA1

Women's Health and Genetics/Laboratory Corporation of America, LabCorp
Classification: Likely benign. Last evaluated: 2023-04-17. Review status: criteria provided, single submitter. Criteria: LabCorp Variant Classification Summary - May 2015. Collection method: clinical testing. Allele origin: germline.

GeneDx
Classification: Benign. Last evaluated: 2020-08-14. Review status: criteria provided, single submitter. Criteria: GeneDx Variant Classification Process June 2021. Collection method: clinical testing. Allele origin: germline. Affected: yes.
Comment: This variant is associated with the following publications: (PMID: 32427833)

Illumina Laboratory Services, Illumina
Classification: Benign for Alpha-1-antitrypsin deficiency. Last evaluated: 2018-01-12. Review status: criteria provided, single submitter. Criteria: ICSL Variant Classification Criteria 13 December 2019. Collection method: clinical testing. Allele origin: germline.
Comment: This variant was observed in the ICSL laboratory as part of a predisposition screen in an ostensibly healthy population. It had not been previously curated by ICSL or reported in the Human Gene Mutation Database (HGMD: prior to June 1st, 2018), and was therefore a candidate for classification through an automated scoring system. Utilizing variant allele frequency, disease prevalence and penetrance estimates, and inheritance mode, an automated score was calculated to assess if this variant is too frequent to cause the disease. Based on the score and internal cut-off values, a variant classified as benign is not then subjected to further curation. The score for this variant resulted in a classification of benign for this disease.

Ambry Genetics
Classification: Benign for Inborn genetic diseases. Last evaluated: 2016-06-21. Review status: criteria provided, single submitter. Criteria: Ambry Variant Classification Scheme 2023. Collection method: clinical testing. Allele origin: germline.

Laboratory for Molecular Medicine, Mass General Brigham Personalized Medicine
Classification: Benign. Last evaluated: 2013-06-13. Review status: criteria provided, single submitter. Criteria: LMM Criteria. Collection method: clinical testing. Allele origin: germline. Observed: 47 variant alleles.
Comment: Benign based on MAF in ESP (10.71% in AA, 25.84% in EA)

Breakthrough Genomics
Classification: Benign. Review status: criteria provided, single submitter. Criteria: ACMG Guidelines, 2015. Collection method: not provided. Allele origin: germline. Inheritance: Autosomal recessive inheritance. Affected: yes.

PreventionGenetics, part of Exact Sciences
Classification: Benign. Review status: criteria provided, single submitter. Criteria: ACMG Guidelines, 2015. Collection method: clinical testing. Allele origin: germline.

OMIM
Classification: other for PI M3. Last evaluated: 2016-07-15. Review status: no assertion criteria provided. Collection method: literature only. Allele origin: germline. Not counted in ClinVar's aggregate classification.

Department of Laboratory Medicine and Genetics, Trillium Health Partners Credit Valley Hospital
Classification: Benign for Alpha-1-antitrypsin deficiency. Last evaluated: 2014-12-08. Review status: no assertion criteria provided. Collection method: curation. Allele origin: germline. Affected: no. Not counted in ClinVar's aggregate classification.
Comment: Common normal allele

Clinical Genetics DNA and cytogenetics Diagnostics Lab, Erasmus MC, Erasmus Medical Center
Classification: Benign. Review status: no assertion criteria provided. Collection method: clinical testing. Allele origin: germline. Affected: yes. Study: VKGL Data-share Consensus. Not counted in ClinVar's aggregate classification.

Diagnostic Laboratory, Department of Genetics, University Medical Center Groningen
Classification: Benign. Review status: no assertion criteria provided. Collection method: clinical testing. Allele origin: germline. Affected: yes. Study: VKGL Data-share Consensus. Not counted in ClinVar's aggregate classification.

Literature cited by the submitters: PubMed 2394452 (cited by OMIM); PubMed 2696185 (cited by Department of Laboratory Medicine and Genetics, Trillium Health Partners Credit Valley Hospital).

NM_001127701.1(SERPINA1):c.1200A>C (p.Glu400Asp)

Gene: SERPINA1 (serpin family A member 1; minus strand). Cytogenetic location: 14q32.13.
Variant type: single nucleotide variant.
Coding change: c.1200A>C on transcript NM_001127701.1; coding-DNA position 1200, A replaced by C.
Protein change: p.Glu400Asp; replaces glutamic acid 400 with aspartic acid.
Molecular consequence: missense variant (on NM_000295.5).
Genome position (GRCh38, 1-based): chr14:94,378,506, T>G on the plus strand (A>C on the coding strand, the complement: SERPINA1 is on the minus strand). VCF-style: chr14-94378506-T-G. GRCh37 (hg19) VCF-style: chr14-94844843-T-G.
Other names: E376D; SERPINA1, GLU376ASP ON M1V; c.1200A>C, p.Glu400Asp (NM_000295.5, NM_001002235.3, NM_001002236.3 and 8 more transcripts); short protein forms E400D.
Identifiers: ClinVar variation 17958 (VCV000017958.31), dbSNP rs1303, ClinGen allele CA127624.